The following is an entry in ClinVar:

ClinVar aggregate classification (germline): Uncertain significance. Review status: criteria provided, multiple submitters, no conflicts (2 of 4 stars). 2 submissions from 2 submitters: Uncertain significance (2). Last evaluated 2025-03-27.

Conditions:
Hereditary cancer-predisposing syndrome. Also called: Neoplastic Syndromes, Hereditary; Tumor predisposition; Hereditary Cancer Syndrome; Hereditary neoplastic syndrome. Identifiers: Orphanet 140162, MedGen C0027672, MeSH D009386, MONDO:0015356.
Fanconi anemia complementation group J. Also called: BRIP1-Related Fanconi Anemia. Identifiers: Orphanet 84, MedGen C1836860, MONDO:0012187, OMIM 609054.
Familial cancer of breast. Also called: Hereditary breast cancer; hereditary breast carcinoma; BREAST CANCER, FAMILIAL. Identifiers: Orphanet 227535, MedGen C0346153, MONDO:0016419, OMIM 114480. Disease mechanism: loss of function.

Submissions (2):

Ambry Genetics
Classification: Uncertain significance for Hereditary cancer-predisposing syndrome. Last evaluated: 2025-03-27. Review status: criteria provided, single submitter. Criteria: Ambry Variant Classification Scheme 2023. Collection method: clinical testing. Allele origin: germline.
Comment: The p.K346E variant (also known as c.1036A>G), located in coding exon 7 of the BRIP1 gene, results from an A to G substitution at nucleotide position 1036. The lysine at codon 346 is replaced by glutamic acid, an amino acid with similar properties. This amino acid position is conserved. In addition, this alteration is predicted to be tolerated by in silico analysis. Based on the available evidence, the clinical significance of this variant remains unclear.

Labcorp Genetics (formerly Invitae), Labcorp
Classification: Uncertain significance for Familial cancer of breast; Fanconi anemia complementation group J. Last evaluated: 2023-07-16. Review status: criteria provided, single submitter. Criteria: Invitae Variant Classification Sherloc (09022015). Collection method: clinical testing. Allele origin: germline.
Comment: In summary, the available evidence is currently insufficient to determine the role of this variant in disease. Therefore, it has been classified as a Variant of Uncertain Significance. Advanced modeling of protein sequence and biophysical properties (such as structural, functional, and spatial information, amino acid conservation, physicochemical variation, residue mobility, and thermodynamic stability) performed at Invitae indicates that this missense variant is not expected to disrupt BRIP1 protein function. This variant has not been reported in the literature in individuals affected with BRIP1-related conditions. This variant is not present in population databases (gnomAD no frequency). This sequence change replaces lysine, which is basic and polar, with glutamic acid, which is acidic and polar, at codon 346 of the BRIP1 protein (p.Lys346Glu).

NM_032043.3(BRIP1):c.1036A>G (p.Lys346Glu)

Gene: BRIP1 (BRCA1 interacting DNA helicase 1; minus strand). Cytogenetic location: 17q23.2.
Variant type: single nucleotide variant.
Coding change: c.1036A>G on transcript NM_032043.3 (MANE Select); coding-DNA position 1036, A replaced by G.
Protein change: p.Lys346Glu; replaces lysine 346 with glutamic acid.
Molecular consequence: missense variant.
Genome position (GRCh38, 1-based): chr17:61,801,357, T>C on the plus strand (A>G on the coding strand, the complement: BRIP1 is on the minus strand). VCF-style: chr17-61801357-T-C. GRCh37 (hg19) VCF-style: chr17-59878718-T-C.
Other names: short protein forms K346E.
Identifiers: ClinVar variation 2926025 (VCV002926025.4), dbSNP rs2545154064, ClinGen allele CA400484065.